The following is an entry in ClinVar:

NM_205768.3(ZBTB18):c.1140G>T (p.Met380Ile)

Gene: ZBTB18 (zinc finger and BTB domain containing 18; plus strand). Cytogenetic location: 1q44.
Variant type: single nucleotide variant.
Coding change: c.1140G>T on transcript NM_205768.3 (MANE Select); coding-DNA position 1140, G replaced by T.
Protein change: p.Met380Ile; replaces methionine 380 with isoleucine.
Molecular consequence: missense variant. On other transcripts: 3 prime UTR variant (1).
Genome position (GRCh38, 1-based): chr1:244,054,914, G>T. VCF-style: chr1-244054914-G-T. GRCh37 (hg19) VCF-style: chr1-244218216-G-T.
Other names: c.1113G>T, p.Met371Ile (NM_001278196.2, NM_006352.5); c.*317G>T (NM_001421566.1); short protein forms M371I, M380I.
Identifiers: ClinVar variation 3191930 (VCV003191930.3), dbSNP rs1698428152, ClinGen allele CA345674460.
Genomic context (GRCh38, chr1:244,054,914, plus strand): 5'-GGAGAGCAGTCTGCTCCCCTACGTCTCCAACATCCTGAGCCCCGCGGGCCAGATCTTCAT[G>T]TGCCCCCTGTGCAACAAGGTCTTCCCCAGCCCCCACATCCTGCAGATCCACCTGAGCACG-3'
Protein context (NP_991331.1, residues 370-390): NILSPAGQIF[Met380Ile]CPLCNKVFPS

ClinVar aggregate classification (germline): Uncertain significance. Review status: criteria provided, multiple submitters, no conflicts (2 of 4 stars). 2 submissions from 2 submitters: Uncertain significance (2). Last evaluated 2024-05-21.

Conditions:
Inborn genetic diseases. Identifiers: MedGen C0950123, MeSH D030342.

Allele frequency attached by ClinVar (database versions not stated): gnomAD 0.00001; TOPMed 0.00001.
gnomAD v4.1: 2 of 1,614,036 alleles (0.00012%); highest among the groups gnomAD compares: Admixed American, 0.0033%; no homozygotes.

Submissions (2):

Labcorp Genetics (formerly Invitae), Labcorp
Classification: Uncertain significance. Last evaluated: 2024-05-21. Review status: criteria provided, single submitter. Criteria: Invitae Variant Classification Sherloc (09022015). Collection method: clinical testing. Allele origin: germline.
Comment: This sequence change replaces methionine, which is neutral and non-polar, with isoleucine, which is neutral and non-polar, at codon 380 of the ZBTB18 protein (p.Met380Ile). This variant is not present in population databases (gnomAD no frequency). This variant has not been reported in the literature in individuals affected with ZBTB18-related conditions. Advanced modeling of protein sequence and biophysical properties (such as structural, functional, and spatial information, amino acid conservation, physicochemical variation, residue mobility, and thermodynamic stability) performed at Invitae indicates that this missense variant is not expected to disrupt ZBTB18 protein function with a negative predictive value of 95%. In summary, the available evidence is currently insufficient to determine the role of this variant in disease. Therefore, it has been classified as a Variant of Uncertain Significance.

Ambry Genetics
Classification: Uncertain significance for Inborn genetic diseases. Last evaluated: 2023-12-09. Review status: criteria provided, single submitter. Criteria: Ambry Variant Classification Scheme 2023. Collection method: clinical testing. Allele origin: germline.